The following is an entry in ClinVar:

ClinVar aggregate classification (germline): Benign/Likely benign. Review status: criteria provided, multiple submitters, no conflicts (2 of 4 stars). 6 submissions from 6 submitters: Benign (1); Likely benign (4). 1 of the submissions does not count toward it. Last evaluated 2025-09-16.

Conditions:
ATM-related disorder. Also called: ATM-related disorders; ATM-related condition.
Hereditary cancer-predisposing syndrome. Also called: Tumor predisposition; Hereditary Cancer Syndrome; Neoplastic Syndromes, Hereditary; Hereditary neoplastic syndrome. Identifiers: Orphanet 140162, MedGen C0027672, MeSH D009386, MONDO:0015356.
Breast-ovarian cancer, familial, susceptibility to, 2 (BROVCA2). Also called: BRCA2 Hereditary Breast and Ovarian Cancer. Identifiers: Orphanet 145, MedGen C2675520, MONDO:0012933, OMIM 612555. Disease mechanism: loss of function.
Familial cancer of breast. Also called: Hereditary breast cancer; hereditary breast carcinoma; BREAST CANCER, FAMILIAL. Identifiers: Orphanet 227535, MedGen C0346153, MONDO:0016419, OMIM 114480. Disease mechanism: loss of function.
Ataxia-telangiectasia syndrome (AT). Also called: Cerebello-oculocutaneous telangiectasia; Immunodeficiency with ataxia telangiectasia; Ataxia-telangiectasia, complementation group D; AT, COMPLEMENTATION GROUP C; Ataxia-telangiectasia, complementation group E; LOUIS-BAR SYNDROME. Identifiers: Orphanet 100, MedGen C0004135, MONDO:0008840, OMIM 208900.

Allele frequency attached by ClinVar (database versions not stated): gnomAD exomes below 0.00001; TOPMed below 0.00001.
gnomAD v4.1: 3 of 1,613,278 alleles (0.00019%); highest among the groups gnomAD compares: Non-Finnish European, 0.00025%; no homozygotes.

Submissions (6):

Labcorp Genetics (formerly Invitae), Labcorp
Classification: Likely benign for Ataxia-telangiectasia syndrome. Last evaluated: 2025-09-16. Review status: criteria provided, single submitter. Criteria: Invitae Variant Classification Sherloc (09022015). Collection method: clinical testing. Allele origin: germline.

Dipartimento Di Medicina Di Precisione, Università Degli Studi Della Campania Luigi Vanvitelli
Classification: Benign for Breast-ovarian cancer, familial, susceptibility to, 2. Last evaluated: 2025-07-17. Review status: criteria provided, single submitter. Criteria: ACMG Guidelines, 2015. Collection method: clinical testing. Allele origin: germline. Inheritance: Autosomal dominant inheritance. Affected: yes. Observed: 1 heterozygote.
Comment: The ATM variant c.2638+7A>G is located in intron 17. Multiple in silico splicing tools (SpliceAI, MaxEntScan, HSF) predict no significant effect on the canonical splice donor site, and no cryptic splice sites are created. The nucleotide is not evolutionarily conserved and lies outside of known regulatory elements. Based on ACMG/AMP guidelines and computational evidence (criteria: BP4, BP7), this variant is classified as benign.

Center for Genomic Medicine, Rigshospitalet, Copenhagen University Hospital
Classification: Likely benign. Last evaluated: 2025-03-04. Review status: criteria provided, single submitter. Criteria: ACMG Guidelines, 2015. Collection method: clinical testing. Allele origin: germline.

Myriad Genetics, Inc.
Classification: Likely benign for Familial cancer of breast. Last evaluated: 2024-05-09. Review status: criteria provided, single submitter. Criteria: Myriad Autosomal Dominant, Autosomal Recessive and X-Linked Classification Criteria (2023). Collection method: clinical testing. Allele origin: unknown.
Comment: This variant is considered likely benign. This variant is intronic and is not expected to impact mRNA splicing.

Color Diagnostics, LLC DBA Color Health
Classification: Likely benign for Hereditary cancer-predisposing syndrome. Last evaluated: 2017-02-10. Review status: criteria provided, single submitter. Criteria: ACMG Guidelines, 2015. Collection method: clinical testing. Allele origin: germline.

PreventionGenetics, part of Exact Sciences
Classification: Likely benign for ATM-related condition. Last evaluated: 2022-05-04. Review status: no assertion criteria provided. Collection method: clinical testing. Allele origin: germline. Not counted in ClinVar's aggregate classification.
Comment: This variant is classified as likely benign based on ACMG/AMP sequence variant interpretation guidelines (Richards et al. 2015 PMID: 25741868, with internal and published modifications).

Literature cited by the submitters: DOI 10.3390/ijms26135928 (cited by Dipartimento Di Medicina Di Precisione, Università Degli Studi Della Campania Luigi Vanvitelli).

NM_000051.4(ATM):c.2638+7A>G

Gene: ATM (ATM serine/threonine kinase; plus strand). Cytogenetic location: 11q22.3.
Variant type: single nucleotide variant.
Coding change: c.2638+7A>G on transcript NM_000051.4 (MANE Select); 7 bases into the intron after coding-DNA position 2638, A replaced by G.
Molecular consequence: intron variant.
Genome position (GRCh38, 1-based): chr11:108,267,349, A>G. VCF-style: chr11-108267349-A-G. GRCh37 (hg19) VCF-style: chr11-108138076-A-G.
Other names: c.2638+7A>G (NM_001351834.2).
Identifiers: ClinVar variation 453422 (VCV000453422.19), dbSNP rs1555082379, ClinGen allele CA658656245.